The following is an entry in ClinVar:

NM_033026.6(PCLO):c.5528G>A (p.Arg1843His)

Gene: PCLO (piccolo presynaptic cytomatrix protein; minus strand). Cytogenetic location: 7q21.11.
Variant type: single nucleotide variant.
Coding change: c.5528G>A on transcript NM_033026.6 (MANE Select); coding-DNA position 5528, G replaced by A.
Protein change: p.Arg1843His; replaces arginine 1843 with histidine.
Molecular consequence: missense variant.
Genome position (GRCh38, 1-based): chr7:82,955,425, C>T on the plus strand (G>A on the coding strand, the complement: PCLO is on the minus strand). VCF-style: chr7-82955425-C-T. GRCh37 (hg19) VCF-style: chr7-82584741-C-T.
Other names: c.5528G>A, p.Arg1843His (NM_014510.3); short protein forms R1843H.
Identifiers: ClinVar variation 2097257 (VCV002097257.1), dbSNP rs373397615, ClinGen allele CA4320635.

ClinVar aggregate classification (germline): Uncertain significance (1 of 4 stars; one submission).

Allele frequency attached by ClinVar (database versions not stated): TOPMed below 0.00001.
gnomAD v4.1: 10 of 1,613,798 alleles (0.00062%); highest among the groups gnomAD compares: Admixed American, 0.0017%; no homozygotes.

Submission:

Labcorp Genetics (formerly Invitae), Labcorp
Classification: Uncertain significance. Last evaluated: 2022-05-21. Review status: criteria provided, single submitter. Criteria: Invitae Variant Classification Sherloc (09022015). Collection method: clinical testing. Allele origin: germline.
Comment: This sequence change replaces arginine, which is basic and polar, with histidine, which is basic and polar, at codon 1843 of the PCLO protein (p.Arg1843His). This variant is present in population databases (rs373397615, gnomAD 0.006%). This variant has not been reported in the literature in individuals affected with PCLO-related conditions. Algorithms developed to predict the effect of missense changes on protein structure and function are either unavailable or do not agree on the potential impact of this missense change (SIFT: "Deleterious"; PolyPhen-2: "Not Available"; Align-GVGD: "Class C0"). In summary, the available evidence is currently insufficient to determine the role of this variant in disease. Therefore, it has been classified as a Variant of Uncertain Significance.